The following is an entry in ClinVar:

ClinVar aggregate classification (germline): Uncertain significance (1 of 4 stars; one submission).

Submission:

GeneDx
Classification: Uncertain significance. Last evaluated: 2022-09-14. Review status: criteria provided, single submitter. Criteria: GeneDx Variant Classification Process June 2021. Collection method: clinical testing. Allele origin: germline. Affected: yes.
Comment: Not observed at significant frequency in large population cohorts (gnomAD); In silico analysis supports that this missense variant does not alter protein structure/function; Has not been previously published as pathogenic or benign to our knowledge

NM_000531.6(OTC):c.322C>G (p.Pro108Ala)

Gene: OTC (ornithine transcarbamylase; plus strand). Cytogenetic location: Xp11.4.
Variant type: single nucleotide variant.
Coding change: c.322C>G on transcript NM_000531.6 (MANE Select); coding-DNA position 322, C replaced by G.
Protein change: p.Pro108Ala; replaces proline 108 with alanine.
Molecular consequence: missense variant.
Genome position (GRCh38, 1-based): chrX:38,381,365, C>G. VCF-style: chrX-38381365-C-G. GRCh37 (hg19) VCF-style: chrX-38240618-C-G.
Other names: c.322C>G, p.Pro108Ala (NM_001407092.1); short protein forms P108A.
Identifiers: ClinVar variation 2444547 (VCV002444547.1), dbSNP rs2519959151, ClinGen allele CA412718282.
Genomic context (GRCh38, chrX:38,381,365, plus strand): 5'-TTTTCAAAATGATTTTTTTCTTTTTTTTTTATTGTAGGCTTTGCACTTCTGGGAGGACAT[C>G]CTTGTTTTCTTACCACACAAGATATTCATTTGGGTGTGAATGAAAGTCTCACGGACACGG-3'
Protein context (NP_000522.3, residues 98-118): ETGFALLGGH[Pro108Ala]CFLTTQDIHL